The following is an entry in ClinVar:

ClinVar aggregate classification (germline): Uncertain significance. Review status: criteria provided, multiple submitters, no conflicts (2 of 4 stars). 2 submissions from 2 submitters: Uncertain significance (2). Last evaluated 2026-03-23.

Conditions:
TTN-related disorder. Also called: TTN-related condition; TTN-related disease; TTN-related disorders.

gnomAD v4.1: 20 of 1,613,610 alleles (0.0012%); highest among the groups gnomAD compares: South Asian, 0.0033%; no homozygotes.

Submissions (2):

PreventionGenetics, part of Exact Sciences
Classification: Uncertain significance for TTN-related condition. Last evaluated: 2026-03-23. Review status: criteria provided, single submitter. Criteria: ACMG Guidelines, 2015. Collection method: clinical testing. Allele origin: germline.
Comment: The TTN c.107763G>A variant is not predicted to result in an amino acid change (p.=). This variant is predicted to alter splicing based on available splicing prediction programs (SpliceAI, Jaganathan et al. 2019. PubMed ID: 30661751). However, the use of computer prediction programs is not equivalent to functional evidence. To our knowledge, this variant has not been reported in the literature. This variant is reported in 0.0065% of alleles in individuals of African descent in gnomAD. At this time, the clinical significance of this variant is uncertain due to the absence of conclusive functional and genetic evidence.

GeneDx
Classification: Uncertain significance. Last evaluated: 2026-03-21. Review status: criteria provided, single submitter. Criteria: GeneDx Variant Classification Process June 2021. Collection method: clinical testing. Allele origin: germline.
Comment: Not observed at significant frequency in large population cohorts (gnomAD); Has not been previously published as pathogenic or benign to our knowledge; In silico analysis suggests this variant may impact gene splicing. In the absence of RNA/functional studies, the actual effect of this sequence change is unknown.

NM_001267550.2(TTN):c.107763G>A (p.Thr35921=)

Genes: TTN (titin; minus strand), TTN-AS1 (TTN antisense RNA 1; plus strand). Cytogenetic location: 2q31.2.
Variant type: single nucleotide variant.
Coding change: c.107763G>A on transcript NM_001267550.2 (MANE Select); coding-DNA position 107763, G replaced by A.
Protein change: p.Thr35921=; no amino-acid change (threonine 35921 retained).
Molecular consequence: synonymous variant.
Genome position (GRCh38, 1-based): chr2:178,527,225, C>T on the plus strand (G>A on the coding strand, the complement: TTN is on the minus strand). VCF-style: chr2-178527225-C-T. GRCh37 (hg19) VCF-style: chr2-179391952-C-T.
Other names: c.102840G>A, p.Thr34280= (NM_001256850.1); c.80568G>A, p.Thr26856= (NM_003319.4); c.100059G>A, p.Thr33353= (NM_133378.4); c.80943G>A, p.Thr26981= (NM_133432.3); c.81144G>A, p.Thr27048= (NM_133437.4).
Identifiers: ClinVar variation 4977433 (VCV004977433.1).
Genomic context (GRCh38, chr2:178,527,225, plus strand): 5'-TTCTTGACTGTGGATTTTTCTTCCACCACAGGACCATGTTACTTCTGGGGTAGGCTCACC[C>T]GTGAAAGCACAGGCTACTGTTAGAACTTTGCCTTCATCAATGCTGATATCAGATGGAAGA-3'
Protein context (NP_001254479.2, residues 35911-35931): GKVLTVACAF[Thr35921=]GEPTPEVTWS